The following is an entry in ClinVar:

ClinVar aggregate classification (germline): Uncertain significance (1 of 4 stars; one submission).

Submission:

GeneDx
Classification: Uncertain significance. Last evaluated: 2024-06-12. Review status: criteria provided, single submitter. Criteria: GeneDx Variant Classification Process June 2021. Collection method: clinical testing. Allele origin: germline. Affected: yes.
Comment: Not observed at significant frequency in large population cohorts (gnomAD); In silico analysis supports that this missense variant has a deleterious effect on protein structure/function; Has not been previously published as pathogenic or benign to our knowledge

NM_006237.4(POU4F1):c.840C>G (p.Ile280Met)

Genes: OBI1-AS1 (OBI1 antisense RNA 1; plus strand), POU4F1 (POU class 4 homeobox 1; minus strand). Cytogenetic location: 13q31.1.
Variant type: single nucleotide variant.
Coding change: c.840C>G on transcript NM_006237.4 (MANE Select); coding-DNA position 840, C replaced by G.
Protein change: p.Ile280Met; replaces isoleucine 280 with methionine.
Molecular consequence: missense variant.
Genome position (GRCh38, 1-based): chr13:78,601,835, G>C on the plus strand (C>G on the coding strand, the complement: POU4F1 is on the minus strand). VCF-style: chr13-78601835-G-C. GRCh37 (hg19) VCF-style: chr13-79175970-G-C.
Other names: short protein forms I280M.
Identifiers: ClinVar variation 2506790 (VCV002506790.2), dbSNP rs2500893426, ClinGen allele CA388426020.
Genomic context (GRCh38, chr13:78,601,835, plus strand): 5'-GCCCGGGATCTTGAGGTTGGCCAGCGCCGAGCCCACGTCGGCCTGCGTCACGCCCAGCTT[G>C]ATGCGCCGCTGCTTGAAGCGCTCCGCGAACGCCTCGAGCTCGCGCGGGTCCGTGTCCGAG-3'
Protein context (NP_006228.3, residues 270-290): AFAERFKQRR[Ile280Met]KLGVTQADVG